The following is an entry in ClinVar:

ClinVar aggregate classification (germline): Uncertain significance. Review status: criteria provided, multiple submitters, no conflicts (2 of 4 stars). 2 submissions from 2 submitters: Uncertain significance (2). Last evaluated 2025-11-22.

Conditions:
Hereditary cancer-predisposing syndrome. Also called: Hereditary Cancer Syndrome; Hereditary neoplastic syndrome; Tumor predisposition; Neoplastic Syndromes, Hereditary. Identifiers: Orphanet 140162, MedGen C0027672, MeSH D009386, MONDO:0015356.
Hereditary nonpolyposis colorectal neoplasms. Identifiers: MedGen C0009405, MeSH D003123.

Allele frequency attached by ClinVar (database versions not stated): gnomAD exomes below 0.00001.

Submissions (2):

Labcorp Genetics (formerly Invitae), Labcorp
Classification: Uncertain significance for Hereditary nonpolyposis colorectal neoplasms. Last evaluated: 2025-11-22. Review status: criteria provided, single submitter. Criteria: Invitae Variant Classification Sherloc (09022015). Collection method: clinical testing. Allele origin: germline.
Comment: This sequence change replaces serine, which is neutral and polar, with asparagine, which is neutral and polar, at codon 840 of the MSH6 protein (p.Ser840Asn). This variant is not present in population databases (gnomAD no frequency). This variant has not been reported in the literature in individuals affected with MSH6-related conditions. ClinVar contains an entry for this variant (Variation ID: 1792498). Invitae Evidence Modeling of protein sequence and biophysical properties (such as structural, functional, and spatial information, amino acid conservation, physicochemical variation, residue mobility, and thermodynamic stability) indicates that this missense variant is not expected to disrupt MSH6 protein function with a negative predictive value of 95%. In summary, the available evidence is currently insufficient to determine the role of this variant in disease. Therefore, it has been classified as a Variant of Uncertain Significance.

Ambry Genetics
Classification: Uncertain significance for Hereditary cancer-predisposing syndrome. Last evaluated: 2025-02-07. Review status: criteria provided, single submitter. Criteria: Ambry Variant Classification Scheme 2023. Collection method: clinical testing. Allele origin: germline.
Comment: The p.S840N variant (also known as c.2519G>A), located in coding exon 4 of the MSH6 gene, results from a G to A substitution at nucleotide position 2519. The serine at codon 840 is replaced by asparagine, an amino acid with highly similar properties. This amino acid position is well conserved in available vertebrate species. In addition, this alteration is predicted to be tolerated by in silico analysis. Based on the available evidence, the clinical significance of this variant remains unclear.

NM_000179.3(MSH6):c.2519G>A (p.Ser840Asn)

Gene: MSH6 (mutS homolog 6; plus strand). Cytogenetic location: 2p16.3.
Variant type: single nucleotide variant.
Coding change: c.2519G>A on transcript NM_000179.3 (MANE Select); coding-DNA position 2519, G replaced by A.
Protein change: p.Ser840Asn; replaces serine 840 with asparagine.
Molecular consequence: missense variant.
Genome position (GRCh38, 1-based): chr2:47,800,502, G>A. VCF-style: chr2-47800502-G-A. GRCh37 (hg19) VCF-style: chr2-48027641-G-A.
Other names: c.2129G>A, p.Ser710Asn (NM_001281492.2); c.1613G>A, p.Ser538Asn (NM_001281493.2, NM_001281494.2, NM_001406811.1 and 6 more transcripts); c.2615G>A, p.Ser872Asn (NM_001406795.1, NM_001406802.1); c.2519G>A, p.Ser840Asn (NM_001406796.1, NM_001406798.1, NM_001406800.1 and 2 more transcripts); c.2222G>A, p.Ser741Asn (NM_001406797.1, NM_001406801.1, NM_001406805.1 and 10 more transcripts); c.1994G>A, p.Ser665Asn (NM_001406799.1, NM_001406806.1, NM_001406807.1); c.2441G>A, p.Ser814Asn (NM_001406804.1); c.2525G>A, p.Ser842Asn (NM_001406813.1); and 1 more; short protein forms S710N, S842N, S665N, S538N, S741N, S784N, S814N, S840N.
Identifiers: ClinVar variation 1792498 (VCV001792498.4), dbSNP rs1553413873, ClinGen allele CA346754359.